The following is an entry in ClinVar:

NM_001369.3(DNAH5):c.6844del (p.Cys2282fs)

Gene: DNAH5 (dynein axonemal heavy chain 5; minus strand). Cytogenetic location: 5p15.2.
Variant type: Deletion.
Coding change: c.6844del on transcript NM_001369.3 (MANE Select); coding-DNA position 6844, one base deleted (T; older notation c.6844delT).
Protein change: p.Cys2282fs; shifts the reading frame from cysteine 2282.
Molecular consequence: frameshift variant.
Genome position (GRCh38, 1-based): chr5:13,817,692, A deleted on the plus strand (T on the coding strand, the reverse complement: DNAH5 is on the minus strand); the first of 2 consecutive A bases (chr5:13,817,692-13,817,693); deleting either gives the same sequence. VCF-style (leftmost placement, unchanged base first): chr5-13817691-CA-C. GRCh37 (hg19) VCF-style: chr5-13817800-CA-C.
Other names: short protein forms C2282fs.
Identifiers: ClinVar variation 1447583 (VCV001447583.7), dbSNP rs1489564718, ClinGen allele CA804500406.

ClinVar aggregate classification (germline): Pathogenic/Likely pathogenic. Review status: criteria provided, multiple submitters, no conflicts (2 of 4 stars). 2 submissions from 2 submitters: Pathogenic (1); Likely pathogenic (1). Last evaluated 2024-04-16.

Conditions:
Primary ciliary dyskinesia. Also called: Ciliary dyskinesia. Identifiers: Orphanet 244, MedGen C0008780, MONDO:0016575, HP:0012265.
DNAH5-related disorders.

Submissions (2):

Blueprint Genetics
Classification: Likely pathogenic for DNAH5-related disorders. Last evaluated: 2024-04-16. Review status: criteria provided, single submitter. Criteria: ACMG Guidelines, 2015. Collection method: clinical testing. Allele origin: germline. Affected: yes. Observed: 1 variant allele.

Labcorp Genetics (formerly Invitae), Labcorp
Classification: Pathogenic for Primary ciliary dyskinesia. Last evaluated: 2023-06-16. Review status: criteria provided, single submitter. Criteria: Invitae Variant Classification Sherloc (09022015). Collection method: clinical testing. Allele origin: germline.
Comment: For these reasons, this variant has been classified as Pathogenic. This variant is not present in population databases (gnomAD no frequency). This variant has not been reported in the literature in individuals affected with DNAH5-related conditions. ClinVar contains an entry for this variant (Variation ID: 1447583). This sequence change creates a premature translational stop signal (p.Cys2282Valfs*8) in the DNAH5 gene. It is expected to result in an absent or disrupted protein product. Loss-of-function variants in DNAH5 are known to be pathogenic (PMID: 11788826, 16627867).

Literature cited by the submitters: PubMed 11788826 (cited by Labcorp Genetics (formerly Invitae), Labcorp); PubMed 16627867 (cited by Labcorp Genetics (formerly Invitae), Labcorp).